The following is an entry in ClinVar:

NM_004304.5(ALK):c.844G>T (p.Asp282Tyr)

Gene: ALK (ALK receptor tyrosine kinase; minus strand). Cytogenetic location: 2p23.2.
Variant type: single nucleotide variant.
Coding change: c.844G>T on transcript NM_004304.5 (MANE Select); coding-DNA position 844, G replaced by T.
Protein change: p.Asp282Tyr; replaces aspartic acid 282 with tyrosine.
Molecular consequence: missense variant.
Genome position (GRCh38, 1-based): chr2:29,694,958, C>A on the plus strand (G>T on the coding strand, the complement: ALK is on the minus strand). VCF-style: chr2-29694958-C-A. GRCh37 (hg19) VCF-style: chr2-29917824-C-A.
Other names: short protein forms D282Y.
Identifiers: ClinVar variation 2004682 (VCV002004682.4), dbSNP rs1678510612, ClinGen allele CA346587028.
Genomic context (GRCh38, chr2:29,694,958, plus strand): 5'-CCATCTGGGAGGCCTCCTCGGAGGGGATGCGGCGCCAGGACCAGCTCTGGTTCCTGAGGT[C>A]ATGCAGTGGAGGGGAATACTCCAGCTCACAGGGGAAGTCAAAGCTGCACTCCAGACCTGC-3'
Protein context (NP_004295.2, residues 272-292): CELEYSPPLH[Asp282Tyr]LRNQSWSWRR

ClinVar aggregate classification (germline): Uncertain significance (1 of 4 stars; one submission).

Conditions:
Neuroblastoma, susceptibility to, 3. Also called: ALK-Related Neuroblastic Tumor Susceptibility. Identifiers: Orphanet 635, MedGen C2751681, MONDO:0013083, OMIM 613014.

Submission:

Labcorp Genetics (formerly Invitae), Labcorp
Classification: Uncertain significance for Neuroblastoma, susceptibility to, 3. Last evaluated: 2022-06-11. Review status: criteria provided, single submitter. Criteria: Invitae Variant Classification Sherloc (09022015). Collection method: clinical testing. Allele origin: germline.
Comment: This variant has not been reported in the literature in individuals affected with ALK-related conditions. In summary, the available evidence is currently insufficient to determine the role of this variant in disease. Therefore, it has been classified as a Variant of Uncertain Significance. Algorithms developed to predict the effect of missense changes on protein structure and function are either unavailable or do not agree on the potential impact of this missense change (SIFT: "Deleterious"; PolyPhen-2: "Possibly Damaging"; Align-GVGD: "Class C0"). This variant is not present in population databases (gnomAD no frequency). This sequence change replaces aspartic acid, which is acidic and polar, with tyrosine, which is neutral and polar, at codon 282 of the ALK protein (p.Asp282Tyr).